The following is an entry in ClinVar:

NM_022367.4(SEMA4A):c.883C>A (p.Gln295Lys)

Gene: SEMA4A (semaphorin 4A; plus strand). Cytogenetic location: 1q22.
Variant type: single nucleotide variant.
Coding change: c.883C>A on transcript NM_022367.4 (MANE Select); coding-DNA position 883, C replaced by A.
Protein change: p.Gln295Lys; replaces glutamine 295 with lysine.
Molecular consequence: missense variant.
Genome position (GRCh38, 1-based): chr1:156,161,418, C>A. VCF-style: chr1-156161418-C-A. GRCh37 (hg19) VCF-style: chr1-156131209-C-A.
Other names: c.883C>A, p.Gln295Lys (NM_001193300.2, NM_001193301.2, NM_001370567.1); c.487C>A, p.Gln163Lys (NM_001193302.2); c.586C>A, p.Gln196Lys (NM_001370568.1); c.376C>A, p.Gln126Lys (NM_001370569.1, NM_001370571.1); c.883C>A (NM_022367.3); short protein forms Q126K, Q163K, Q196K, Q295K.
Identifiers: ClinVar variation 1020634 (VCV001020634.9), dbSNP rs757601033, ClinGen allele CA1155209.

ClinVar aggregate classification (germline): Uncertain significance. Review status: criteria provided, multiple submitters, no conflicts (2 of 4 stars). 2 submissions from 2 submitters: Uncertain significance (2). Last evaluated 2026-02-21.

Allele frequency attached by ClinVar (database versions not stated): ExAC 0.00001; gnomAD exomes 0.00001 and 0.00002; TOPMed 0.00001; gnomAD 0.00002.

Submissions (2):

GeneDx
Classification: Uncertain significance. Last evaluated: 2026-02-21. Review status: criteria provided, single submitter. Criteria: GeneDx Variant Classification Process June 2021. Collection method: clinical testing. Allele origin: germline.
Comment: In silico analysis suggests that this missense variant does not alter protein structure/function; Has not been previously published as pathogenic or benign to our knowledge

Labcorp Genetics (formerly Invitae), Labcorp
Classification: Uncertain significance. Last evaluated: 2023-05-02. Review status: criteria provided, single submitter. Criteria: Invitae Variant Classification Sherloc (09022015). Collection method: clinical testing. Allele origin: germline.
Comment: Advanced modeling of protein sequence and biophysical properties (such as structural, functional, and spatial information, amino acid conservation, physicochemical variation, residue mobility, and thermodynamic stability) performed at Invitae indicates that this missense variant is not expected to disrupt SEMA4A protein function. In summary, the available evidence is currently insufficient to determine the role of this variant in disease. Therefore, it has been classified as a Variant of Uncertain Significance. ClinVar contains an entry for this variant (Variation ID: 1020634). This variant has not been reported in the literature in individuals affected with SEMA4A-related conditions. This variant is present in population databases (rs757601033, gnomAD 0.02%). This sequence change replaces glutamine, which is neutral and polar, with lysine, which is basic and polar, at codon 295 of the SEMA4A protein (p.Gln295Lys).